The following is an entry in ClinVar:

ClinVar aggregate classification (germline): Likely benign. Review status: criteria provided, multiple submitters, no conflicts (2 of 4 stars). 2 submissions from 2 submitters: Likely benign (2). Last evaluated 2025-08-07.

Conditions:
CEP164-related disorder. Also called: CEP164-related condition.
Nephronophthisis 15 (NPHP15). Identifiers: Orphanet 3156, MedGen C3541853, MONDO:0013917, OMIM 614845.

Allele frequency attached by ClinVar (database versions not stated): gnomAD exomes below 0.00001; ExAC 0.00001.
gnomAD v4.1: 1 of 1,614,136 alleles (0.000062%); highest among the groups gnomAD compares: Admixed American, 0.0017%; no homozygotes.

Submissions (2):

PreventionGenetics, part of Exact Sciences
Classification: Likely benign for CEP164-related condition. Last evaluated: 2025-08-07. Review status: criteria provided, single submitter. Criteria: ACMG Guidelines, 2015. Collection method: clinical testing. Allele origin: germline.
Comment: This variant is classified as likely benign based on ACMG/AMP sequence variant interpretation guidelines (Richards et al. 2015 PMID: 25741868, with internal and published modifications).

Labcorp Genetics (formerly Invitae), Labcorp
Classification: Likely benign for Nephronophthisis 15. Last evaluated: 2023-11-28. Review status: criteria provided, single submitter. Criteria: Invitae Variant Classification Sherloc (09022015). Collection method: clinical testing. Allele origin: germline.

NM_014956.5(CEP164):c.3096G>A (p.Leu1032=)

Gene: CEP164 (centrosomal protein 164; plus strand). Cytogenetic location: 11q23.3.
Variant type: single nucleotide variant.
Coding change: c.3096G>A on transcript NM_014956.5 (MANE Select); coding-DNA position 3096, G replaced by A.
Protein change: p.Leu1032=; no amino-acid change (leucine 1032 retained).
Molecular consequence: synonymous variant.
Genome position (GRCh38, 1-based): chr11:117,396,060, G>A. VCF-style: chr11-117396060-G-A. GRCh37 (hg19) VCF-style: chr11-117266776-G-A.
Other names: c.3105G>A, p.Leu1035= (NM_001271933.2); c.3096G>A (NM_014956.4).
Identifiers: ClinVar variation 2902921 (VCV002902921.4), dbSNP rs751473649, ClinGen allele CA6295347.
Genomic context (GRCh38, chr11:117,396,060, plus strand): 5'-CTCCCCCCCATCGCCAGCCGCTGCCCTGCCTCTCACTCATCTTTCCTTCCACAGCAGCCT[G>A]GAGGCTGAAGCTCAAAAGAAGCAGCACCTGTTGAGAGAAGTGACAGTTGAGGAAAATAAT-3'
Protein context (NP_055771.4, residues 1022-1042): SQQLQKHFSS[Leu1032=]EAEAQKKQHL